The following is an entry in ClinVar:

NM_002485.5(NBN):c.1044TGA[1] (p.Asp349del)

Gene: NBN (nibrin; minus strand). Cytogenetic location: 8q21.3.
Variant type: Microsatellite.
Coding change: c.1044TGA[1] on transcript NM_002485.5 (MANE Select); one copy of the 3-base unit TGA starting at c.1044; the reference has two copies in a row; one copy, 3 bases deleted.
Protein change: p.Asp349del; deletes aspartic acid 349.
Molecular consequence: inframe deletion.
Genome position (GRCh38, 1-based): chr8:89,958,800-89,958,802, TCA deleted on the plus strand (TGA on the coding strand, the reverse complement: NBN is on the minus strand); deleting any 3 consecutive bases within chr8:89,958,800-89,958,805 gives the same sequence; the position shown is the placement nearest the transcript's 3' end. VCF-style (leftmost placement, unchanged base first): chr8-89958799-TTCA-T. GRCh37 (hg19) VCF-style: chr8-90971027-TTCA-T.
Other names: c.798TGA[1], p.Asp267del (NM_001024688.3); c.1047_1049delTGA (NM_002485.4); short protein forms D349del, D267del.
Identifiers: ClinVar variation 233902 (VCV000233902.7), dbSNP rs876660721, ClinGen allele CA10578774.

ClinVar aggregate classification (germline): Uncertain significance. Review status: criteria provided, multiple submitters, no conflicts (2 of 4 stars). 3 submissions from 3 submitters: Uncertain significance (3). Last evaluated 2024-11-22.

Conditions:
NBN-related disorder. Also called: NBN-related condition.
Hereditary cancer-predisposing syndrome. Also called: Neoplastic Syndromes, Hereditary; Tumor predisposition; Hereditary Cancer Syndrome; Hereditary neoplastic syndrome. Identifiers: Orphanet 140162, MedGen C0027672, MeSH D009386, MONDO:0015356.

Submissions (3):

PreventionGenetics, part of Exact Sciences
Classification: Uncertain significance for NBN-related condition. Last evaluated: 2024-11-22. Review status: criteria provided, single submitter. Criteria: ACMG Guidelines, 2015. Collection method: clinical testing. Allele origin: germline.
Comment: The NBN c.1047_1049delTGA variant is predicted to result in an in-frame deletion (p.Asp349del). To our knowledge, this variant has not been reported in the literature or in a large population database (gnomAD), indicating this variant is rare. At this time, the clinical significance of this variant is uncertain due to the absence of conclusive functional and genetic evidence.

Blueprint Genetics
Classification: Uncertain significance. Last evaluated: 2024-04-24. Review status: criteria provided, single submitter. Criteria: ACMG Guidelines, 2015. Collection method: clinical testing. Allele origin: germline.

Ambry Genetics
Classification: Uncertain significance for Hereditary cancer-predisposing syndrome. Last evaluated: 2024-02-26. Review status: criteria provided, single submitter. Criteria: Ambry Variant Classification Scheme 2023. Collection method: clinical testing. Allele origin: germline.
Comment: The c.1047_1049delTGA variant (also known as p.D349del) is located in coding exon 9 of the NBN gene. This variant results from an in-frame TGA deletion at nucleotide positions 1047 to 1049. This results in the in-frame deletion of an aspartic acid at codon 349. This amino acid position is poorly conserved in available vertebrate species. In addition, this alteration is predicted to be deleterious by in silico analysis (Choi Y et al. PLoS ONE. 2012; 7(10):e46688). Based on the available evidence, the clinical significance of this alteration remains unclear.